The following is an entry in ClinVar:

NM_000245.4(MET):c.2707T>C (p.Leu903=)

Gene: MET (MET proto-oncogene, receptor tyrosine kinase; plus strand). Cytogenetic location: 7q31.2.
Variant type: single nucleotide variant.
Coding change: c.2707T>C on transcript NM_000245.4 (MANE Select); coding-DNA position 2707, T replaced by C.
Protein change: p.Leu903=; no amino-acid change (leucine 903 retained).
Molecular consequence: synonymous variant.
Genome position (GRCh38, 1-based): chr7:116,769,768, T>C. VCF-style: chr7-116769768-T-C. GRCh37 (hg19) VCF-style: chr7-116409822-T-C.
Other names: c.2761T>C (NM_001127500.1); c.2761T>C, p.Leu921= (NM_001127500.3); c.2707T>C, p.Leu903= (NM_001324401.3); c.1417T>C, p.Leu473= (NM_001324402.2).
Identifiers: ClinVar variation 1588932 (VCV001588932.10), dbSNP rs2116984374, ClinGen allele CA457441776.

ClinVar aggregate classification (germline): Benign/Likely benign. Review status: criteria provided, multiple submitters, no conflicts (2 of 4 stars). 3 submissions from 3 submitters: Benign (1); Likely benign (2). Last evaluated 2025-06-10.

Conditions:
Renal cell carcinoma. Identifiers: Orphanet 217071, MedGen C0007134, MeSH D002292, MONDO:0005086, HP:0005584.
Hereditary cancer-predisposing syndrome. Also called: Tumor predisposition; Hereditary neoplastic syndrome; Neoplastic Syndromes, Hereditary; Hereditary Cancer Syndrome. Identifiers: Orphanet 140162, MedGen C0027672, MeSH D009386, MONDO:0015356.
Papillary renal cell carcinoma type 1 (RCCP1). Also called: Renal adenocarcinoma; Renal cell carcinoma 1; Renal cell carcinoma, somatic; RENAL CELL CARCINOMA, PAPILLARY, 1, SOMATIC. Identifiers: Orphanet 47044, MedGen C1336839, OMIM 605074, HP:0011797.

gnomAD v4.1: 1 of 1,613,848 alleles (0.000062%); no homozygotes.

Submissions (3):

Labcorp Genetics (formerly Invitae), Labcorp
Classification: Likely benign for Renal cell carcinoma. Last evaluated: 2025-06-10. Review status: criteria provided, single submitter. Criteria: Invitae Variant Classification Sherloc (09022015). Collection method: clinical testing. Allele origin: germline.

Myriad Genetics, Inc.
Classification: Benign for Papillary renal cell carcinoma type 1. Last evaluated: 2024-11-12. Review status: criteria provided, single submitter. Criteria: Myriad Autosomal Dominant, Autosomal Recessive and X-Linked Classification Criteria (2023). Collection method: clinical testing. Allele origin: unknown.
Comment: This variant is considered benign. This variant is a silent/synonymous amino acid change and it is not expected to impact splicing.

Ambry Genetics
Classification: Likely benign for Hereditary cancer-predisposing syndrome. Last evaluated: 2024-06-15. Review status: criteria provided, single submitter. Criteria: Ambry Variant Classification Scheme 2023. Collection method: clinical testing. Allele origin: germline.